The following is an entry in ClinVar:

ClinVar aggregate classification (germline): Uncertain significance (1 of 4 stars; one submission).

Conditions:
SEMA3D-related disorder. Also called: SEMA3D-related condition.

gnomAD v4.1: 2 of 1,567,798 alleles (0.00013%); highest among the groups gnomAD compares: Admixed American, 0.0035%; no homozygotes.

Submission:

PreventionGenetics, part of Exact Sciences
Classification: Uncertain significance for SEMA3D-related condition. Last evaluated: 2026-02-04. Review status: criteria provided, single submitter. Criteria: ACMG Guidelines, 2015. Collection method: clinical testing. Allele origin: germline.
Comment: The SEMA3D c.741C>A variant is predicted to result in the amino acid substitution p.Phe247Leu. To our knowledge, this variant has not been reported in the literature or in a large population database (gnomAD), indicating this variant is rare. At this time, the clinical significance of this variant is uncertain due to the absence of conclusive functional and genetic evidence.

NM_001384900.1(SEMA3D):c.741C>A (p.Phe247Leu)

Gene: SEMA3D (semaphorin 3D; minus strand). Cytogenetic location: 7q21.11.
Variant type: single nucleotide variant.
Coding change: c.741C>A on transcript NM_001384900.1 (MANE Select); coding-DNA position 741, C replaced by A.
Protein change: p.Phe247Leu; replaces phenylalanine 247 with leucine.
Molecular consequence: missense variant.
Genome position (GRCh38, 1-based): chr7:85,055,837, G>T on the plus strand (C>A on the coding strand, the complement: SEMA3D is on the minus strand). VCF-style: chr7-85055837-G-T. GRCh37 (hg19) VCF-style: chr7-84685153-G-T.
Other names: c.741C>A, p.Phe247Leu (NM_001384901.1, NM_001384902.1, NM_001384903.1 and 1 more transcripts); short protein forms F247L.
Identifiers: ClinVar variation 4993612 (VCV004993612.1).